The following is an entry in ClinVar:

ClinVar aggregate classification (germline): Uncertain significance (1 of 4 stars; one submission).

Conditions:
Nephronophthisis. Also called: Juvenile Nephronophthisis. Identifiers: Orphanet 655, MedGen C0687120, MONDO:0019005, HP:0000090.

Allele frequency attached by ClinVar (database versions not stated): gnomAD exomes below 0.00001 and 0.00001; ExAC 0.00001; gnomAD 0.00002; TOPMed 0.00004; ESP Exome Variant Server 0.00008.
gnomAD v4.1: 4 of 1,613,950 alleles (0.00025%); highest among the groups gnomAD compares: African/African-American, 0.0053%; no homozygotes.

Submission:

Labcorp Genetics (formerly Invitae), Labcorp
Classification: Uncertain significance for Nephronophthisis. Last evaluated: 2022-08-15. Review status: criteria provided, single submitter. Criteria: Invitae Variant Classification Sherloc (09022015). Collection method: clinical testing. Allele origin: germline.
Comment: This sequence change replaces aspartic acid, which is acidic and polar, with glycine, which is neutral and non-polar, at codon 172 of the INVS protein (p.Asp172Gly). This variant is present in population databases (rs377683634, gnomAD 0.007%). This variant has not been reported in the literature in individuals affected with INVS-related conditions. ClinVar contains an entry for this variant (Variation ID: 1440280). Algorithms developed to predict the effect of missense changes on protein structure and function (SIFT, PolyPhen-2, Align-GVGD) all suggest that this variant is likely to be tolerated. In summary, the available evidence is currently insufficient to determine the role of this variant in disease. Therefore, it has been classified as a Variant of Uncertain Significance.

NM_014425.5(INVS):c.515A>G (p.Asp172Gly)

Gene: INVS (inversin; plus strand). Cytogenetic location: 9q31.1.
Variant type: single nucleotide variant.
Coding change: c.515A>G on transcript NM_014425.5 (MANE Select); coding-DNA position 515, A replaced by G.
Protein change: p.Asp172Gly; replaces aspartic acid 172 with glycine.
Molecular consequence: missense variant. On other transcripts: 5 prime UTR variant (1), non-coding transcript variant (1).
Genome position (GRCh38, 1-based): chr9:100,229,727, A>G. VCF-style: chr9-100229727-A-G. GRCh37 (hg19) VCF-style: chr9-102992009-A-G.
Other names: c.227A>G, p.Asp76Gly (NM_001318381.2); c.-475A>G (NM_001318382.2); short protein forms D172G, D76G.
Identifiers: ClinVar variation 1440280 (VCV001440280.5), dbSNP rs377683634, ClinGen allele CA5158181.
Genomic context (GRCh38, chr9:100,229,727, plus strand): 5'-CTCTGCATTGGAGTGCCTACTACAATAACCCTGAGCATGTGAAGCTGCTCATCAAGCATG[A>G]TTCTAACATTGGGATTCCTGATGTTGAAGGCAAGATCCCACTTCACTGGGCAGCCAACCA-3'
Protein context (NP_055240.2, residues 162-182): PEHVKLLIKH[Asp172Gly]SNIGIPDVEG